The following is an entry in ClinVar:

ClinVar aggregate classification (germline): Uncertain significance (1 of 4 stars; one submission).

Allele frequency attached by ClinVar (database versions not stated): gnomAD exomes below 0.00001.

Submission:

Labcorp Genetics (formerly Invitae), Labcorp
Classification: Uncertain significance. Last evaluated: 2022-11-08. Review status: criteria provided, single submitter. Criteria: Invitae Variant Classification Sherloc (09022015). Collection method: clinical testing. Allele origin: germline.
Comment: This sequence change replaces methionine, which is neutral and non-polar, with isoleucine, which is neutral and non-polar, at codon 156 of the MGME1 protein (p.Met156Ile). This variant is present in population databases (no rsID available, gnomAD 0.003%). In summary, the available evidence is currently insufficient to determine the role of this variant in disease. Therefore, it has been classified as a Variant of Uncertain Significance. Advanced modeling of protein sequence and biophysical properties (such as structural, functional, and spatial information, amino acid conservation, physicochemical variation, residue mobility, and thermodynamic stability) performed at Invitae indicates that this missense variant is expected to disrupt MGME1 protein function. ClinVar contains an entry for this variant (Variation ID: 1352210). This variant has not been reported in the literature in individuals affected with MGME1-related conditions.

NM_052865.4(MGME1):c.468G>T (p.Met156Ile)

Genes: MGME1 (mitochondrial genome maintenance exonuclease 1; plus strand), LOC126862983 (CDK7 strongly-dependent group 2 enhancer GRCh37_chr20:17950167-17951366; plus strand). Cytogenetic location: 20p11.23.
Variant type: single nucleotide variant.
Coding change: c.468G>T on transcript NM_052865.4 (MANE Select); coding-DNA position 468, G replaced by T.
Protein change: p.Met156Ile; replaces methionine 156 with isoleucine.
Molecular consequence: missense variant. On other transcripts: intron variant (1).
Genome position (GRCh38, 1-based): chr20:17,970,327, G>T. VCF-style: chr20-17970327-G-T. GRCh37 (hg19) VCF-style: chr20-17950970-G-T.
Other names: c.468G>T, p.Met156Ile (NM_001310338.2, NM_001310339.2); c.271+197G>T (NM_001363738.2); short protein forms M156I.
Identifiers: ClinVar variation 1352210 (VCV001352210.6), dbSNP rs1374787218, ClinGen allele CA408339538.